The following is an entry in ClinVar:

ClinVar aggregate classification (germline): Benign. Review status: reviewed by expert panel (3 of 4 stars). 11 submissions from 11 submitters: Benign (1). 10 of the submissions do not count toward it. Last evaluated 2025-11-11.

Conditions:
MYH7-related disorder. Also called: MYH7-related condition; MYH7-related disease; MYH7-related disorders.
Cardiomyopathy (CMYO). Also called: Cardiomyopathies. Identifiers: Orphanet 167848, MedGen C0878544, MONDO:0004994, HP:0001638. Inheritance: Various modes of inheritance.
Hypertrophic cardiomyopathy. Also called: HYPERTROPHIC MYOCARDIOPATHY. Identifiers: Orphanet 217569, MedGen C0007194, MeSH D002312, MONDO:0005045, HP:0001639.

Allele frequency attached by ClinVar (database versions not stated): gnomAD exomes 0.00010 and 0.00019; ExAC 0.00028; TOPMed 0.00048; gnomAD 0.00055 and 0.00058; ESP Exome Variant Server 0.00085; 1000 Genomes Project 0.00100; 1000 Genomes Project 30x 0.00125.
gnomAD v4.1: 235 of 1,614,202 alleles (0.015%); highest among the groups gnomAD compares: African/African-American, 0.18%; no homozygotes.

Submissions (11):

ClinGen Cardiomyopathy Variant Curation Expert Panel
Classification: Benign for Hypertrophic cardiomyopathy. Last evaluated: 2025-11-11. Review status: reviewed by expert panel. Criteria: ClinGen CMP ACMG Specifications MYH7 V2.0.0. Collection method: curation. Allele origin: germline. Inheritance: Autosomal dominant inheritance.
Comment: The filtering allele frequency of the c.2514G>A (p.Pro838=) variant in the MYH7 gene is 0.18% (27/10404) of African chromosomes by the Exome Aggregation Consortium, which is a high enough frequency to be classified as benign based on thresholds defined by the ClinGen Inherited Cardiomyopathy Expert Panel (BA1; PMID:29300372).

PreventionGenetics, part of Exact Sciences
Classification: Benign for MYH7-related condition. Last evaluated: 2026-02-22. Review status: criteria provided, single submitter. Criteria: ACMG Guidelines, 2015. Collection method: clinical testing. Allele origin: germline. Not counted in ClinVar's aggregate classification.
Comment: This variant is classified as benign based on ACMG/AMP sequence variant interpretation guidelines (Richards et al. 2015 PMID: 25741868, with internal and published modifications).

Labcorp Genetics (formerly Invitae), Labcorp
Classification: Benign for Hypertrophic cardiomyopathy. Last evaluated: 2026-02-02. Review status: criteria provided, single submitter. Criteria: Invitae Variant Classification Sherloc (09022015). Collection method: clinical testing. Allele origin: germline. Not counted in ClinVar's aggregate classification.

Women's Health and Genetics/Laboratory Corporation of America, LabCorp
Classification: Likely benign. Last evaluated: 2025-10-21. Review status: criteria provided, single submitter. Criteria: LabCorp Variant Classification Summary - May 2015. Collection method: clinical testing. Allele origin: germline. Not counted in ClinVar's aggregate classification.

Blueprint Genetics
Classification: Likely benign. Last evaluated: 2024-11-15. Review status: criteria provided, single submitter. Criteria: ACMG Guidelines, 2015. Collection method: clinical testing. Allele origin: germline. Not counted in ClinVar's aggregate classification.

All of Us Research Program, National Institutes of Health
Classification: Benign for Cardiomyopathy. Last evaluated: 2023-12-13. Review status: criteria provided, single submitter. Criteria: ACMG Guidelines, 2015. Collection method: clinical testing. Allele origin: germline. Inheritance: Autosomal dominant inheritance. Observed: 36 variant alleles, 36 heterozygotes. Not counted in ClinVar's aggregate classification.
Comment: This study involves interpretation of variants in research participants for the purpose of population health screening. Participant phenotype was not available at the time of variant classification. Additional details can be found in publication PMID: 35346344, PMCID: PMC8962531

ARUP Laboratories, Molecular Genetics and Genomics, ARUP Laboratories
Classification: Likely benign. Last evaluated: 2020-01-16. Review status: criteria provided, single submitter. Criteria: ARUP Molecular Germline Variant Investigation Process. Collection method: clinical testing. Allele origin: germline. Not counted in ClinVar's aggregate classification.

GeneDx
Classification: Benign. Last evaluated: 2019-05-07. Review status: criteria provided, single submitter. Criteria: GeneDx Variant Classification Process June 2021. Collection method: clinical testing. Allele origin: germline. Affected: yes. Not counted in ClinVar's aggregate classification.

Color Diagnostics, LLC DBA Color Health
Classification: Benign for Cardiomyopathy. Last evaluated: 2018-10-21. Review status: criteria provided, single submitter. Criteria: ACMG Guidelines, 2015. Collection method: clinical testing. Allele origin: germline. Not counted in ClinVar's aggregate classification.

Laboratory for Molecular Medicine, Mass General Brigham Personalized Medicine
Classification: Benign. Last evaluated: 2016-04-20. Review status: criteria provided, single submitter. Criteria: LMM Criteria. Collection method: clinical testing. Allele origin: germline. Observed: 6 variant alleles. Not counted in ClinVar's aggregate classification.
Comment: proposed classification - variant undergoing re-assessment, contact laboratory

Eurofins Ntd Llc (ga)
Classification: Likely benign. Last evaluated: 2015-09-29. Review status: criteria provided, single submitter. Criteria: EGL Classification Definitions 2015. Collection method: clinical testing. Allele origin: germline. Observed: 1 variant allele, 1 heterozygote. Not counted in ClinVar's aggregate classification.

Literature cited by the submitters: PubMed 29300372 (cited by ClinGen Cardiomyopathy Variant Curation Expert Panel).

NM_000257.4(MYH7):c.2514G>A (p.Pro838=)

Genes: MYH7 (myosin heavy chain 7; minus strand), LOC126861898 (BRD4-independent group 4 enhancer GRCh37_chr14:23893609-23894808; plus strand). Cytogenetic location: 14q11.2.
Variant type: single nucleotide variant.
Coding change: c.2514G>A on transcript NM_000257.4 (MANE Select); coding-DNA position 2514, G replaced by A.
Protein change: p.Pro838=; no amino-acid change (proline 838 retained).
Molecular consequence: synonymous variant.
Genome position (GRCh38, 1-based): chr14:23,424,934, C>T on the plus strand (G>A on the coding strand, the complement: MYH7 is on the minus strand). VCF-style: chr14-23424934-C-T. GRCh37 (hg19) VCF-style: chr14-23894143-C-T.
Other names: NM_000257.3(MYH7):c.2514G>A.
Identifiers: ClinVar variation 42911 (VCV000042911.35), dbSNP rs45560638, ClinGen allele CA012524.
Genomic context (GRCh38, chr14:23,424,934, plus strand): 5'-GCGTGTGAACTCCTCCTTCATGGAGGCCATCTCCTTCTCTCTTTCTGCACTCTTCAGCAG[C>T]GGCTTGATCTTGAAGTAGAGCTTCATCCAGGGCCAATTCTTGACCCCCATGAAGGCCCGA-3'
Protein context (NP_000248.2, residues 828-848): PWMKLYFKIK[Pro838=]LLKSAEREKE